The following is an entry in ClinVar:

ClinVar aggregate classification (germline): Uncertain significance. Review status: criteria provided, multiple submitters, no conflicts (2 of 4 stars). 2 submissions from 2 submitters: Uncertain significance (2). Last evaluated 2021-08-28.

Conditions:
Hermansky-Pudlak syndrome 5 (HPS5). Identifiers: Orphanet 231512, Orphanet 79430, MedGen C3888004, MONDO:0013557, OMIM 614074.

Allele frequency attached by ClinVar (database versions not stated): gnomAD 0.00001 and 0.00003; gnomAD exomes 0.00002; TOPMed 0.00003; ExAC 0.00004; 1000 Genomes Project 30x 0.00016; 1000 Genomes Project 0.00020.
gnomAD v4.1: 35 of 1,614,208 alleles (0.0022%); highest among the groups gnomAD compares: East Asian, 0.074%; no homozygotes.

Submissions (2):

Labcorp Genetics (formerly Invitae), Labcorp
Classification: Uncertain significance. Last evaluated: 2021-08-28. Review status: criteria provided, single submitter. Criteria: Invitae Variant Classification Sherloc (09022015). Collection method: clinical testing. Allele origin: germline.
Comment: This sequence change replaces leucine with glutamine at codon 492 of the HPS5 protein (p.Leu492Gln). The leucine residue is weakly conserved and there is a moderate physicochemical difference between leucine and glutamine. This variant is present in population databases (rs190883305, ExAC 0.06%). This variant has not been reported in the literature in individuals affected with HPS5-related conditions. ClinVar contains an entry for this variant (Variation ID: 303891). Algorithms developed to predict the effect of missense changes on protein structure and function output the following: SIFT: "Tolerated"; PolyPhen-2: "Benign"; Align-GVGD: "Class C0". The glutamine amino acid residue is found in multiple mammalian species, which suggests that this missense change does not adversely affect protein function. In summary, the available evidence is currently insufficient to determine the role of this variant in disease. Therefore, it has been classified as a Variant of Uncertain Significance.

Illumina Laboratory Services, Illumina
Classification: Uncertain significance for Hermansky-Pudlak syndrome 5. Last evaluated: 2018-01-13. Review status: criteria provided, single submitter. Criteria: ICSL Variant Classification Criteria 13 December 2019. Collection method: clinical testing. Allele origin: germline.

NM_181507.2(HPS5):c.1475T>A (p.Leu492Gln)

Gene: HPS5 (HPS5 biogenesis of lysosomal organelles complex 2 subunit 2; minus strand). Cytogenetic location: 11p15.1.
Variant type: single nucleotide variant.
Coding change: c.1475T>A on transcript NM_181507.2 (MANE Select); coding-DNA position 1475, T replaced by A.
Protein change: p.Leu492Gln; replaces leucine 492 with glutamine.
Molecular consequence: missense variant.
Genome position (GRCh38, 1-based): chr11:18,296,833, A>T on the plus strand (T>A on the coding strand, the complement: HPS5 is on the minus strand). VCF-style: chr11-18296833-A-T. GRCh37 (hg19) VCF-style: chr11-18318380-A-T.
Other names: c.1133T>A, p.Leu378Gln (NM_007216.4, NM_181508.2); short protein forms L492Q, L378Q.
Identifiers: ClinVar variation 303891 (VCV000303891.9), dbSNP rs190883305, ClinGen allele CA5910137.
Genomic context (GRCh38, chr11:18,296,833, plus strand): 5'-AACCAACAACAGACACATTCATCACCTTCATTTCCGTGTGAGCCACAACACTGATCTGGC[A>T]GGTCCTCTTCCTGCTGTGAGGTGAATTCTTTAAATCTCTCATCTTCTGAGAGGGTTTGGC-3'
Protein context (NP_852608.1, residues 482-502): KEFTSQQEED[Leu492Gln]PDQCCGSHGN